The following is an entry in ClinVar:

ClinVar aggregate classification (germline): Uncertain significance (1 of 4 stars; one submission).

Allele frequency attached by ClinVar (database versions not stated): TOPMed below 0.00001; gnomAD 0.00001; gnomAD exomes 0.00002 and 0.00003; ExAC 0.00005.
gnomAD v4.1: 23 of 1,553,006 alleles (0.0015%); highest among the groups gnomAD compares: Admixed American, 0.002%; no homozygotes.

Submission:

Labcorp Genetics (formerly Invitae), Labcorp
Classification: Uncertain significance. Last evaluated: 2021-04-25. Review status: criteria provided, single submitter. Criteria: Invitae Variant Classification Sherloc (09022015). Collection method: clinical testing. Allele origin: germline.
Comment: In summary, the available evidence is currently insufficient to determine the role of this variant in disease. Therefore, it has been classified as a Variant of Uncertain Significance. Algorithms developed to predict the effect of sequence changes on RNA splicing suggest that this variant may create or strengthen a splice site, but this prediction has not been confirmed by published transcriptional studies. Algorithms developed to predict the effect of missense changes on protein structure and function are either unavailable or do not agree on the potential impact of this missense change (SIFT: "Deleterious"; PolyPhen-2: "Probably Damaging"; Align-GVGD: "Class C0"). This variant has not been reported in the literature in individuals with MCM5-related conditions. This variant is present in population databases (rs757467768, ExAC 0.01%). This sequence change replaces arginine with glutamine at codon 717 of the MCM5 protein (p.Arg717Gln). The arginine residue is highly conserved and there is a small physicochemical difference between arginine and glutamine.

NM_006739.4(MCM5):c.2150G>A (p.Arg717Gln)

Gene: MCM5 (minichromosome maintenance complex component 5; plus strand). Cytogenetic location: 22q12.3.
Variant type: single nucleotide variant.
Coding change: c.2150G>A on transcript NM_006739.4 (MANE Select); coding-DNA position 2150, G replaced by A.
Protein change: p.Arg717Gln; replaces arginine 717 with glutamine.
Molecular consequence: missense variant.
Genome position (GRCh38, 1-based): chr22:35,424,200, G>A. VCF-style: chr22-35424200-G-A. GRCh37 (hg19) VCF-style: chr22-35820193-G-A.
Other names: short protein forms R717Q.
Identifiers: ClinVar variation 1496439 (VCV001496439.8), dbSNP rs757467768, ClinGen allele CA10205680.